The following is an entry in ClinVar:

ClinVar aggregate classification (germline): Benign (0 of 4 stars; one submission).

Conditions:
SCRIB-related disorder. Also called: SCRIB-related condition.

Allele frequency attached by ClinVar (database versions not stated): 1000 Genomes Project 30x 0.00890; 1000 Genomes Project 0.00899; ESP Exome Variant Server 0.01444; gnomAD 0.01884; ExAC 0.02263; gnomAD exomes 0.03009.
gnomAD v4.1: 37,971 of 1,321,626 alleles (2.9%); highest among the groups gnomAD compares: Non-Finnish European, 3.3%; 595 homozygotes.

Submission:

PreventionGenetics, part of Exact Sciences
Classification: Benign for SCRIB-related condition. Last evaluated: 2019-09-24. Review status: no assertion criteria provided. Collection method: clinical testing. Allele origin: germline.
Comment: This variant is classified as benign based on ACMG/AMP sequence variant interpretation guidelines (Richards et al. 2015 PMID: 25741868, with internal and published modifications).

NM_182706.5(SCRIB):c.3921G>A (p.Pro1307=)

Gene: SCRIB (scribble planar cell polarity protein; minus strand). Cytogenetic location: 8q24.3.
Variant type: single nucleotide variant.
Coding change: c.3921G>A on transcript NM_182706.5 (MANE Select); coding-DNA position 3921, G replaced by A.
Protein change: p.Pro1307=; no amino-acid change (proline 1307 retained).
Molecular consequence: synonymous variant.
Genome position (GRCh38, 1-based): chr8:143,793,072, C>T on the plus strand (G>A on the coding strand, the complement: SCRIB is on the minus strand). VCF-style: chr8-143793072-C-T. GRCh37 (hg19) VCF-style: chr8-144875242-C-T.
Other names: c.3921G>A, p.Pro1307= (NM_015356.5).
Identifiers: ClinVar variation 3057028 (VCV003057028.2), dbSNP rs11784217, ClinGen allele CA4918439.
Genomic context (GRCh38, chr8:143,793,072, plus strand): 5'-CACGGCCGCGAAGGCCCTGTAGGCCTGCTTCACATTGGCGGGCAGCTCATCCGGAGAAGG[C>T]GGGGAGGGCGGCTGGGGGGTGGGGCTCTTGTGAGCTATGCTGGGGCAGCTGTCGGGGCTG-3'
Protein context (NP_874365.3, residues 1297-1317): CSPSGQQPPS[Pro1307=]PSPDELPANV